The following is an entry in ClinVar:

NM_033026.6(PCLO):c.2793_2794del (p.Phe932fs)

Gene: PCLO (piccolo presynaptic cytomatrix protein; minus strand). Cytogenetic location: 7q21.11.
Variant type: Microsatellite.
Coding change: c.2793_2794del on transcript NM_033026.6 (MANE Select); coding-DNA positions 2793 to 2794, 2 bases deleted (CT; older notation c.2793_2794delCT).
Protein change: p.Phe932fs; shifts the reading frame from phenylalanine 932.
Molecular consequence: frameshift variant.
Genome position (GRCh38, 1-based): chr7:83,134,756-83,134,757, AG deleted on the plus strand (CT on the coding strand, the reverse complement: PCLO is on the minus strand); deleting any 2 consecutive bases within chr7:83,134,756-83,134,759 gives the same sequence; the c. name uses the placement nearest the transcript's 3' end. VCF-style (leftmost placement, unchanged base first): chr7-83134755-AAG-A. GRCh37 (hg19) VCF-style: chr7-82764071-AAG-A.
Other names: c.2793_2794del, p.Phe932fs (NM_014510.3); short protein forms F932fs.
Identifiers: ClinVar variation 3903253 (VCV003903253.1).

ClinVar aggregate classification (germline): Uncertain significance (1 of 4 stars; one submission).

Submission:

GeneDx
Classification: Uncertain significance. Last evaluated: 2023-12-29. Review status: criteria provided, single submitter. Criteria: GeneDx Variant Classification Process June 2021. Collection method: clinical testing. Allele origin: germline. Affected: yes.
Comment: Frameshift variant predicted to result in protein truncation or nonsense mediated decay in a gene or region of a gene for which loss of function is not a well-established mechanism of disease; Not observed at significant frequency in large population cohorts (gnomAD); Has not been previously published as pathogenic or benign to our knowledge; Variants in candidate genes are classified as variants of uncertain significance in accordance with ACMG guidelines (PMID: 25741868)